The following is an entry in ClinVar:

ClinVar aggregate classification (germline): Uncertain significance. Review status: criteria provided, multiple submitters, no conflicts (2 of 4 stars). 2 submissions from 2 submitters: Uncertain significance (2). Last evaluated 2024-04-04.

Conditions:
Nicolaides-Baraitser syndrome (NCBRS). Also called: Intellectual disability-sparse hair-brachydactyly syndrome; SMARCA2-Related Nicolaides-Baraitser Syndrome. Identifiers: Orphanet 3051, MedGen C1303073, MONDO:0011053, OMIM 601358.
Inborn genetic diseases. Identifiers: MedGen C0950123, MeSH D030342.

Allele frequency attached by ClinVar (database versions not stated): gnomAD 0.00001.
gnomAD v4.1: 15 of 1,614,142 alleles (0.00093%); highest among the groups gnomAD compares: Middle Eastern, 0.033%; no homozygotes.

Submissions (2):

Genomic Medicine Center of Excellence, King Faisal Specialist Hospital and Research Centre
Classification: Uncertain significance for Nicolaides-Baraitser syndrome. Last evaluated: 2024-04-04. Review status: criteria provided, single submitter. Criteria: ACMG Guidelines, 2015. Collection method: clinical testing. Allele origin: germline.

Ambry Genetics
Classification: Uncertain significance for Inborn genetic diseases. Last evaluated: 2017-11-22. Review status: criteria provided, single submitter. Criteria: Ambry Variant Classification Scheme 2023. Collection method: clinical testing. Allele origin: germline.
Comment: The c.4200-2A>G intronic variant results from an A to G substitution two nucleotides upstream from coding exon 28 in the SMARCA2 gene. This nucleotide position is highly conserved in available vertebrate species. Using the BDGP and ESEfinder splice site prediction tools, this alteration is predicted to abolish the native splice acceptor site; however, direct evidence is unavailable. Alterations that disrupt the canonical splice site are expected to cause aberrant splicing, resulting in an abnormal protein or a transcript that is subject to nonsense-mediated mRNA decay. However, loss of function of SMARCA2 has not been clearly established as a mechanism of disease. Since supporting evidence is limited at this time, the clinical significance of this alteration remains unclear.

NM_003070.5(SMARCA2):c.4200-2A>G

Gene: SMARCA2 (SWI/SNF related BAF chromatin remodeling complex subunit ATPase 2; plus strand). Cytogenetic location: 9p24.3.
Variant type: single nucleotide variant.
Coding change: c.4200-2A>G on transcript NM_003070.5 (MANE Select); the canonical splice acceptor site of the intron before coding-DNA position 4200, A replaced by G.
Molecular consequence: splice acceptor variant. On other transcripts: intron variant (5).
Genome position (GRCh38, 1-based): chr9:2,170,417, A>G. VCF-style: chr9-2170417-A-G. GRCh37 (hg19) VCF-style: chr9-2170417-A-G.
Other names: c.4199+8514A>G (NM_139045.4); c.4025+8514A>G (NM_001289397.2); c.4200-2A>G (NM_001289396.2); c.227+8514A>G (NM_001289398.2); c.317+8514A>G (NM_001289400.2); c.311+8514A>G (NM_001289399.2).
Identifiers: ClinVar variation 1738655 (VCV001738655.2), dbSNP rs1233949889, ClinGen allele CA372787761.